The following is an entry in ClinVar:

NM_005918.4(MDH2):c.20G>C (p.Arg7Pro)

Gene: MDH2 (malate dehydrogenase 2; plus strand). Cytogenetic location: 7q11.23.
Variant type: single nucleotide variant.
Coding change: c.20G>C on transcript NM_005918.4 (MANE Select); coding-DNA position 20, G replaced by C.
Protein change: p.Arg7Pro; replaces arginine 7 with proline.
Molecular consequence: missense variant. On other transcripts: 5 prime UTR variant (1), non-coding transcript variant (1).
Genome position (GRCh38, 1-based): chr7:76,048,180, G>C. VCF-style: chr7-76048180-G-C. GRCh37 (hg19) VCF-style: chr7-75677498-G-C.
Other names: c.20G>C, p.Arg7Pro (NM_001282403.2); c.-133G>C (NM_001282404.2); short protein forms R7P.
Identifiers: ClinVar variation 2620143 (VCV002620143.3), dbSNP rs751504529, ClinGen allele CA160902399.

ClinVar aggregate classification (germline): Uncertain significance. Review status: criteria provided, multiple submitters, no conflicts (2 of 4 stars). 2 submissions from 2 submitters: Uncertain significance (2). Last evaluated 2024-11-18.

Conditions:
Inborn genetic diseases. Identifiers: MedGen C0950123, MeSH D030342.

gnomAD v4.1: 14 of 1,536,442 alleles (0.00091%); highest among the groups gnomAD compares: African/African-American, 0.0014%; no homozygotes.

Submissions (2):

Blueprint Genetics
Classification: Uncertain significance. Last evaluated: 2024-11-18. Review status: criteria provided, single submitter. Criteria: ACMG Guidelines, 2015. Collection method: clinical testing. Allele origin: germline.

Ambry Genetics
Classification: Uncertain significance for Inborn genetic diseases. Last evaluated: 2023-07-27. Review status: criteria provided, single submitter. Criteria: Ambry Variant Classification Scheme 2023. Collection method: clinical testing. Allele origin: germline.
Comment: The p.R7P variant (also known as c.20G>C), located in coding exon 1 of the MDH2 gene, results from a G to C substitution at nucleotide position 20. The arginine at codon 7 is replaced by proline, an amino acid with dissimilar properties. This amino acid position is conserved. In addition, this alteration is predicted to be tolerated by in silico analysis. Since supporting evidence is limited at this time, the clinical significance of this alteration remains unclear.